The following is an entry in ClinVar:

NM_000199.5(SGSH):c.*415A>G

Gene: SGSH (N-sulfoglucosamine sulfohydrolase; minus strand). Cytogenetic location: 17q25.3.
Variant type: single nucleotide variant.
Coding change: c.*415A>G on transcript NM_000199.5 (MANE Select); 415 bases downstream of the stop codon, A replaced by G.
Molecular consequence: 3 prime UTR variant. On other transcripts: non-coding transcript variant (1).
Genome position (GRCh38, 1-based): chr17:80,210,037, T>C on the plus strand (A>G on the coding strand, the complement: SGSH is on the minus strand). VCF-style: chr17-80210037-T-C. GRCh37 (hg19) VCF-style: chr17-78183836-T-C.
Other names: c.*1011A>G (NM_001352921.3); c.*974A>G (NM_001352922.2).
Identifiers: ClinVar variation 889847 (VCV000889847.4), dbSNP rs141810727, ClinGen allele CA294890027.

ClinVar aggregate classification (germline): Benign (1 of 4 stars; one submission).

Conditions:
Mucopolysaccharidosis, MPS-III-A (MPS3A). Also called: SANFILIPPO SYNDROME A; SULFAMIDASE DEFICIENCY; MPS III A; HEPARAN SULFATE SULFATASE DEFICIENCY; Mucopolysaccharidosis, type IIIA; MUCOPOLYSACCHARIDOSIS, TYPE IIIA, ATTENUATED. Identifiers: Orphanet 581, Orphanet 79269, MedGen C0086647, MONDO:0009655, OMIM 252900.

Allele frequency attached by ClinVar (database versions not stated): gnomAD 0.00910 and 0.00844; gnomAD exomes 0.00103; 1000 Genomes Project 30x 0.01031; TOPMed 0.01033; 1000 Genomes Project 0.00938.
gnomAD v4.1: 2,267 of 1,096,362 alleles (0.21%); highest among the groups gnomAD compares: African/African-American, 2.9%; 25 homozygotes.

Submission:

Illumina Laboratory Services, Illumina
Classification: Benign for Mucopolysaccharidosis, MPS-III-A. Last evaluated: 2018-01-13. Review status: criteria provided, single submitter. Criteria: ICSL Variant Classification Criteria 13 December 2019. Collection method: clinical testing. Allele origin: germline.
Comment: This variant was observed in the ICSL laboratory as part of a predisposition screen in an ostensibly healthy population. It had not been previously curated by ICSL or reported in the Human Gene Mutation Database (HGMD: prior to June 1st, 2018), and was therefore a candidate for classification through an automated scoring system. Utilizing variant allele frequency, disease prevalence and penetrance estimates, and inheritance mode, an automated score was calculated to assess if this variant is too frequent to cause the disease. Based on the score and internal cut-off values, a variant classified as benign is not then subjected to further curation. The score for this variant resulted in a classification of benign for this disease.